The following is an entry in ClinVar:

ClinVar aggregate classification (germline): Likely benign (1 of 4 stars; one submission).

Allele frequency attached by ClinVar (database versions not stated): gnomAD exomes 0.00223; gnomAD 0.00314; ExAC 0.00404; 1000 Genomes Project 30x 0.00640.
gnomAD v4.1: 3,765 of 1,601,050 alleles (0.24%); highest among the groups gnomAD compares: South Asian, 0.76%; 50 homozygotes.

Submission:

CeGaT Center for Human Genetics Tuebingen
Classification: Likely benign. Last evaluated: 2026-09-01. Review status: criteria provided, single submitter. Criteria: CeGaT Center For Human Genetics Tuebingen Variant Classification Criteria Version 2. Collection method: clinical testing. Allele origin: germline. Affected: yes. Observed: 6 variant alleles.
Comment: GOLGA8M: BP4, BP7, BS2

NM_001282468.3(GOLGA8M):c.1422G>A (p.Lys474=)

Gene: GOLGA8M (golgin A8 family member M; minus strand). Cytogenetic location: 15q13.1.
Variant type: single nucleotide variant.
Coding change: c.1422G>A on transcript NM_001282468.3 (MANE Select); coding-DNA position 1422, G replaced by A.
Protein change: p.Lys474=; no amino-acid change (lysine 474 retained).
Molecular consequence: synonymous variant.
Genome position (GRCh38, 1-based): chr15:28,702,692, C>T on the plus strand (G>A on the coding strand, the complement: GOLGA8M is on the minus strand). VCF-style: chr15-28702692-C-T. GRCh37 (hg19) VCF-style: chr15-28947838-C-T.
Identifiers: ClinVar variation 2645091 (VCV002645091.24), dbSNP rs531148701, ClinGen allele CA7444480.